The following is an entry in ClinVar:

ClinVar aggregate classification (germline): Uncertain significance (1 of 4 stars; one submission).

Conditions:
VIPAS39-related disorder. Also called: VIPAS39-related condition.

Submission:

PreventionGenetics, part of Exact Sciences
Classification: Uncertain significance for VIPAS39-related condition. Last evaluated: 2026-02-11. Review status: criteria provided, single submitter. Criteria: ACMG Guidelines, 2015. Collection method: clinical testing. Allele origin: germline.
Comment: The VIPAS39 c.739C>T variant is not predicted to result in an amino acid change (p.=). This variant is predicted to alter splicing based on available splicing prediction software (SpliceAI, Jaganathan et al. 2019. PubMed ID: 30661751). However, the use of computer prediction software is not equivalent to functional evidence. To our knowledge, this variant has not been reported in the literature or in a large population database (gnomAD), indicating this variant is rare. At this time, the clinical significance of this variant is uncertain due to the absence of conclusive functional and genetic evidence.

NM_001193315.2(VIPAS39):c.739C>T (p.Leu247=)

Gene: VIPAS39 (VPS33B interacting protein, apical-basolateral polarity regulator, spe-39 homolog; minus strand). Cytogenetic location: 14q24.3.
Variant type: single nucleotide variant.
Coding change: c.739C>T on transcript NM_001193315.2 (MANE Select); coding-DNA position 739, C replaced by T.
Protein change: p.Leu247=; no amino-acid change (leucine 247 retained).
Molecular consequence: synonymous variant. On other transcripts: non-coding transcript variant (1), intron variant (1).
Genome position (GRCh38, 1-based): chr14:77,441,089, G>A on the plus strand (C>T on the coding strand, the complement: VIPAS39 is on the minus strand). VCF-style: chr14-77441089-G-A. GRCh37 (hg19) VCF-style: chr14-77907432-G-A.
Other names: c.739C>T, p.Leu247= (NM_001193314.2, NM_001193317.2, NM_001400326.1 and 7 more transcripts); c.592C>T, p.Leu198= (NM_001193316.2, NM_001400324.1, NM_001400325.1); c.706C>T, p.Leu236= (NM_001400327.1); c.646C>T, p.Leu216= (NM_001400333.1, NM_001400334.1); c.499C>T, p.Leu167= (NM_001400337.1); c.734+1471C>T (NM_001400338.1).
Identifiers: ClinVar variation 4991607 (VCV004991607.1).